The following is an entry in ClinVar:

NM_000238.4(KCNH2):c.2645_2656del (p.Ser882_Arg885del)

Gene: KCNH2 (potassium voltage-gated channel subfamily H member 2; minus strand). Cytogenetic location: 7q36.1.
Variant type: Deletion.
Coding change: c.2645_2656del on transcript NM_000238.4 (MANE Select); coding-DNA positions 2645 to 2656, 12 bases deleted (GTCGGCAACGCA).
Protein change: p.Ser882_Arg885del.
Molecular consequence: inframe deletion. On other transcripts: inframe indel (1).
Genome position (GRCh38, 1-based): chr7:150,948,480-150,948,491, TGCGTTGCCGAC deleted on the plus strand (GTCGGCAACGCA on the coding strand, the reverse complement: KCNH2 is on the minus strand); deleting any 12 consecutive bases within chr7:150,948,480-150,948,493 gives the same sequence; the c. name uses the placement nearest the transcript's 3' end. VCF-style (leftmost placement, unchanged base first): chr7-150948479-TTGCGTTGCCGAC-T. GRCh37 (hg19) VCF-style: chr7-150645567-TTGCGTTGCCGAC-T.
Other names: c.2355_2366delCAGTCGGCAACG, p.Ser786_Arg789del (NM_001406753.1); c.1625_1636del, p.Ser542_Arg545del (NM_172057.3).
Identifiers: ClinVar variation 2022804 (VCV002022804.4), dbSNP rs1801007585, ClinGen allele CA1752431399.
Genomic context (GRCh38, chr7:150,948,479, plus strand): 5'-CCCTTCCTCCCCTCCCCCGCCTCACCCTTGTCCGTGCGCCTGCGGAAGGACAACTTGCGC[TTGCGTTGCCGAC>T]TGAAGCCACCCTCTAACTCCGTACTGCCGGGGGAGCCCGGGATCATGTTGGTCTGGAACC-3'

ClinVar aggregate classification (germline): Uncertain significance (1 of 4 stars; one submission).

Conditions:
Long QT syndrome (LQTS). Identifiers: MedGen C0023976, MeSH D008133, MONDO:0002442. Disease mechanism: loss of function. Inheritance: Various modes of inheritance.

Submission:

Labcorp Genetics (formerly Invitae), Labcorp
Classification: Uncertain significance for Long QT syndrome. Last evaluated: 2022-08-08. Review status: criteria provided, single submitter. Criteria: Invitae Variant Classification Sherloc (09022015). Collection method: clinical testing. Allele origin: germline.
Comment: Experimental studies and prediction algorithms are not available or were not evaluated, and the functional significance of this variant is currently unknown. This variant has not been reported in the literature in individuals affected with KCNH2-related conditions. This variant is not present in population databases (gnomAD no frequency). This variant, c.2645_2656del, results in the deletion of 4 amino acid(s) of the KCNH2 protein (p.Ser882_Arg885del), but otherwise preserves the integrity of the reading frame. In summary, the available evidence is currently insufficient to determine the role of this variant in disease. Therefore, it has been classified as a Variant of Uncertain Significance.